The following is an entry in ClinVar:

ClinVar aggregate classification (germline): Uncertain significance. Review status: criteria provided, multiple submitters, no conflicts (2 of 4 stars). 3 submissions from 3 submitters: Uncertain significance (3). Last evaluated 2026-05-18.

Conditions:
Cardiovascular phenotype. Identifiers: MedGen CN230736.

Allele frequency attached by ClinVar (database versions not stated): ExAC 0.00005.
gnomAD v4.1: 29 of 1,550,834 alleles (0.0019%); highest among the groups gnomAD compares: Non-Finnish European, 0.0024%; no homozygotes.

Submissions (3):

Women's Health and Genetics/Laboratory Corporation of America, LabCorp
Classification: Uncertain significance. Last evaluated: 2026-05-18. Review status: criteria provided, single submitter. Criteria: LabCorp Variant Classification Summary - May 2015. Collection method: clinical testing. Allele origin: germline.
Comment: Variant summary: ZNF469 c.11632C>G (p.Arg3878Gly) results in a non-conservative amino acid change in the encoded protein sequence. Algorithms developed to predict the effect of missense changes on protein structure and function are either unavailable or do not agree on the potential impact of this missense change. The variant allele was found at a frequency of 6.5e-06 in 154060 control chromosomes. The available data on variant occurrences in the general population are insufficient to allow any conclusion about variant significance. To our knowledge, no occurrence of c.11632C>G in individuals affected with ZNF469-related conditions and no experimental evidence demonstrating its impact on protein function have been reported. ClinVar contains an entry for this variant (Variation ID: 1734832). Based on the evidence outlined above, the variant was classified as uncertain significance.

CeGaT Center for Human Genetics Tuebingen
Classification: Uncertain significance. Last evaluated: 2023-10-01. Review status: criteria provided, single submitter. Criteria: CeGaT Center For Human Genetics Tuebingen Variant Classification Criteria Version 2. Collection method: clinical testing. Allele origin: germline. Affected: yes. Observed: 1 variant allele.
Comment: ZNF469: PM2, BP4

Ambry Genetics
Classification: Uncertain significance for Cardiovascular phenotype. Last evaluated: 2021-07-22. Review status: criteria provided, single submitter. Criteria: Ambry Variant Classification Scheme 2023. Collection method: clinical testing. Allele origin: germline.
Comment: The p.R3850G variant (also known as c.11548C>G), located in coding exon 2 of the ZNF469 gene, results from a C to G substitution at nucleotide position 11548. The arginine at codon 3850 is replaced by glycine, an amino acid with dissimilar properties. This amino acid position is conserved. In addition, this alteration is predicted to be tolerated by in silico analysis. Since supporting evidence is limited at this time, the clinical significance of this alteration remains unclear.

NM_001367624.2(ZNF469):c.11632C>G (p.Arg3878Gly)

Gene: ZNF469 (zinc finger protein 469; plus strand). Cytogenetic location: 16q24.2.
Variant type: single nucleotide variant.
Coding change: c.11632C>G on transcript NM_001367624.2 (MANE Select); coding-DNA position 11632, C replaced by G.
Protein change: p.Arg3878Gly; replaces arginine 3878 with glycine.
Molecular consequence: missense variant.
Genome position (GRCh38, 1-based): chr16:88,439,102, C>G. VCF-style: chr16-88439102-C-G. GRCh37 (hg19) VCF-style: chr16-88505510-C-G.
Other names: NM_001127464.1:c.11548C>G; short protein forms R3878G.
Identifiers: ClinVar variation 1734832 (VCV001734832.27), dbSNP rs754381335, ClinGen allele CA8225630.